The following is an entry in ClinVar:

ClinVar aggregate classification (germline): Uncertain significance (1 of 4 stars; one submission).

Conditions:
Multiple endocrine neoplasia, type 1 (MEN1). Also called: MEA I; MEN I; WERMER SYNDROME; Endocrine adenomatosis multiple; MEN 1. Identifiers: Orphanet 652, MedGen C0025267, MeSH D018761, MONDO:0007540, OMIM 131100.

Submission:

Labcorp Genetics (formerly Invitae), Labcorp
Classification: Uncertain significance for Multiple endocrine neoplasia, type 1. Last evaluated: 2022-10-20. Review status: criteria provided, single submitter. Criteria: Invitae Variant Classification Sherloc (09022015). Collection method: clinical testing. Allele origin: germline.
Comment: In summary, the available evidence is currently insufficient to determine the role of this variant in disease. Therefore, it has been classified as a Variant of Uncertain Significance. Advanced modeling of protein sequence and biophysical properties (such as structural, functional, and spatial information, amino acid conservation, physicochemical variation, residue mobility, and thermodynamic stability) has been performed at Invitae for this missense variant, however the output from this modeling did not meet the statistical confidence thresholds required to predict the impact of this variant on MEN1 protein function. This variant has not been reported in the literature in individuals affected with MEN1-related conditions. This variant is not present in population databases (gnomAD no frequency). This sequence change replaces arginine, which is basic and polar, with glycine, which is neutral and non-polar, at codon 484 of the MEN1 protein (p.Arg484Gly).

NM_001370259.2(MEN1):c.1450C>G (p.Arg484Gly)

Gene: MEN1 (menin 1; minus strand). Cytogenetic location: 11q13.1.
Variant type: single nucleotide variant.
Coding change: c.1450C>G on transcript NM_001370259.2 (MANE Select); coding-DNA position 1450, C replaced by G.
Protein change: p.Arg484Gly; replaces arginine 484 with glycine.
Molecular consequence: missense variant.
Genome position (GRCh38, 1-based): chr11:64,804,717, G>C on the plus strand (C>G on the coding strand, the complement: MEN1 is on the minus strand). VCF-style: chr11-64804717-G-C. GRCh37 (hg19) VCF-style: chr11-64572189-G-C.
Other names: c.1465C>G, p.Arg489Gly (NM_000244.4, NM_001407145.1, NM_130800.3 and 4 more transcripts); c.1576C>G, p.Arg526Gly (NM_001370251.2, NM_001407142.1, NM_001407143.1 and 1 more transcripts); c.1450C>G, p.Arg484Gly (NM_001370260.2, NM_001370261.2, NM_001407146.1 and 2 more transcripts); c.1345C>G, p.Arg449Gly (NM_001370262.2, NM_001370263.2, NM_001407148.1 and 1 more transcripts); c.1591C>G, p.Arg531Gly (NM_001407150.1); c.1471C>G, p.Arg491Gly (NM_001407151.1); c.1285C>G, p.Arg429Gly (NM_001407152.1); short protein forms R429G, R449G, R484G, R489G, R491G, R526G, R531G.
Identifiers: ClinVar variation 1721930 (VCV001721930.5), dbSNP rs1941548479, ClinGen allele CA381179259.